The following is an entry in ClinVar:

NM_014484.5(MOCS3):c.1167A>C (p.Leu389Phe)

Gene: MOCS3 (molybdenum cofactor synthesis 3; plus strand). Cytogenetic location: 20q13.13.
Variant type: single nucleotide variant.
Coding change: c.1167A>C on transcript NM_014484.5 (MANE Select); coding-DNA position 1167, A replaced by C.
Protein change: p.Leu389Phe; replaces leucine 389 with phenylalanine.
Molecular consequence: missense variant.
Genome position (GRCh38, 1-based): chr20:50,960,009, A>C. VCF-style: chr20-50960009-A-C. GRCh37 (hg19) VCF-style: chr20-49576546-A-C.
Other names: short protein forms L389F.
Identifiers: ClinVar variation 3687707 (VCV003687707.2).

ClinVar aggregate classification (germline): Uncertain significance (1 of 4 stars; one submission).

gnomAD v4.1: 2 of 1,614,268 alleles (0.00012%); highest among the groups gnomAD compares: Non-Finnish European, 0.00017%; no homozygotes.

Submission:

Labcorp Genetics (formerly Invitae), Labcorp
Classification: Uncertain significance. Last evaluated: 2024-10-21. Review status: criteria provided, single submitter. Criteria: Invitae Variant Classification Sherloc (09022015). Collection method: clinical testing. Allele origin: germline.
Comment: This sequence change replaces leucine, which is neutral and non-polar, with phenylalanine, which is neutral and non-polar, at codon 389 of the MOCS3 protein (p.Leu389Phe). This variant is not present in population databases (gnomAD no frequency). This variant has not been reported in the literature in individuals affected with MOCS3-related conditions. An algorithm developed to predict the effect of missense changes on protein structure and function (PolyPhen-2) suggests that this variant is likely to be tolerated. In summary, the available evidence is currently insufficient to determine the role of this variant in disease. Therefore, it has been classified as a Variant of Uncertain Significance.